The following is an entry in ClinVar:

ClinVar aggregate classification (germline): Conflicting classifications of pathogenicity. Review status: criteria provided, conflicting classifications (1 of 4 stars). 2 submissions from 2 submitters: Uncertain significance (1); Likely benign (1). Last evaluated 2025-09-02.

Conditions:
CR2-related disorder. Also called: CR2-related disorders; CR2-related condition.
Immunodeficiency, common variable, 7. Identifiers: Orphanet 1572, Orphanet 696894, MedGen C3542922, MONDO:0013862, OMIM 614699.

Allele frequency attached by ClinVar (database versions not stated): ExAC 0.00001; gnomAD exomes 0.00001; gnomAD 0.00002; TOPMed 0.00003.
gnomAD v4.1: 20 of 1,613,752 alleles (0.0012%); highest among the groups gnomAD compares: Non-Finnish European, 0.0017%; no homozygotes.

Submissions (2):

Labcorp Genetics (formerly Invitae), Labcorp
Classification: Likely benign for Immunodeficiency, common variable, 7. Last evaluated: 2025-09-02. Review status: criteria provided, single submitter. Criteria: Invitae Variant Classification Sherloc (09022015). Collection method: clinical testing. Allele origin: germline.

PreventionGenetics, part of Exact Sciences
Classification: Uncertain significance for CR2-related condition. Last evaluated: 2022-08-22. Review status: criteria provided, single submitter. Criteria: ACMG Guidelines, 2015. Collection method: clinical testing. Allele origin: germline.
Comment: The CR2 c.1965A>G variant is not predicted to result in an amino acid change (p.=). To our knowledge, this variant has not been reported in the literature. This variant is reported in 0.0018% of alleles in individuals of European (Non-Finnish) descent in gnomAD. At this time, the clinical significance of this variant is uncertain due to the absence of conclusive functional and genetic evidence.

NM_001006658.3(CR2):c.1965A>G (p.Pro655=)

Gene: CR2 (complement C3d receptor 2; plus strand). Cytogenetic location: 1q32.2.
Variant type: single nucleotide variant.
Coding change: c.1965A>G on transcript NM_001006658.3 (MANE Select); coding-DNA position 1965, A replaced by G.
Protein change: p.Pro655=; no amino-acid change (proline 655 retained).
Molecular consequence: synonymous variant.
Genome position (GRCh38, 1-based): chr1:207,473,166, A>G. VCF-style: chr1-207473166-A-G. GRCh37 (hg19) VCF-style: chr1-207646511-A-G.
Other names: c.1965A>G, p.Pro655= (NM_001877.5); c.1965A>G (NM_001006658.2).
Identifiers: ClinVar variation 1137380 (VCV001137380.9), dbSNP rs772865066, ClinGen allele CA1368831.